The following is an entry in ClinVar:

NM_001114753.3(ENG):c.911_918del (p.Arg304fs)

Gene: ENG (endoglin; minus strand). Cytogenetic location: 9q34.11.
Variant type: Deletion.
Coding change: c.911_918del on transcript NM_001114753.3 (MANE Select); coding-DNA positions 911 to 918, 8 bases deleted (GGATGCTC; older notation c.911_918delGGATGCTC).
Protein change: p.Arg304fs; shifts the reading frame from arginine 304.
Molecular consequence: frameshift variant.
Genome position (GRCh38, 1-based): chr9:127,824,873-127,824,880, GAGCATCC deleted on the plus strand (GGATGCTC on the coding strand, the reverse complement: ENG is on the minus strand); deleting any 8 consecutive bases within chr9:127,824,873-127,824,881 gives the same sequence; the c. name uses the placement nearest the transcript's 3' end. VCF-style (leftmost placement, unchanged base first): chr9-127824872-TGAGCATCC-T. GRCh37 (hg19) VCF-style: chr9-130587151-TGAGCATCC-T.
Other names: c.911_918delGGATGCTC (NM_000118.3); c.910_917delCGGATGCT, p.Arg304Glnfs (NM_000118.4, NM_001406715.1); c.365_372del, p.Arg122fs (NM_001278138.2); short protein forms R304fs, R122fs.
Identifiers: ClinVar variation 579815 (VCV000579815.9), dbSNP rs1564455604, ClinGen allele CA891842558.

ClinVar aggregate classification (germline): Pathogenic (1 of 4 stars; one submission).

Conditions:
Hereditary hemorrhagic telangiectasia (HHT). Also called: ORW DISEASE; Osler Weber Rendu syndrome; OSLER-RENDU-WEBER DISEASE; Osler hemorrhagic telangiectasia syndrome. Identifiers: Orphanet 774, MedGen C0039445, MONDO:0019180. Disease mechanism: loss of function.

Submission:

Labcorp Genetics (formerly Invitae), Labcorp
Classification: Pathogenic for Hereditary hemorrhagic telangiectasia. Last evaluated: 2021-10-01. Review status: criteria provided, single submitter. Criteria: Invitae Variant Classification Sherloc (09022015). Collection method: clinical testing. Allele origin: germline.
Comment: This variant has not been reported in the literature in individuals with ENG-related disease. This variant is not present in population databases (ExAC no frequency). This sequence change creates a premature translational stop signal (p.Arg304Glnfs*27) in the ENG gene. It is expected to result in an absent or disrupted protein product. Loss-of-function variants in ENG are known to be pathogenic (PMID: 15879500, 20656886, 22385575). For these reasons, this variant has been classified as Pathogenic.

Literature cited by the submitters: PubMed 15879500; PubMed 20656886; PubMed 22385575.